The following is an entry in ClinVar:

ClinVar aggregate classification (germline): Likely benign (0 of 4 stars; one submission).

Conditions:
MUC16-related disorder. Also called: MUC16-related condition.

Allele frequency attached by ClinVar (database versions not stated): 1000 Genomes Project 0.00100; 1000 Genomes Project 30x 0.08104; ExAC 0.38927.

Submission:

PreventionGenetics, part of Exact Sciences
Classification: Likely benign for MUC16-related condition. Last evaluated: 2019-10-28. Review status: no assertion criteria provided. Collection method: clinical testing. Allele origin: germline.
Comment: This variant is classified as likely benign based on ACMG/AMP sequence variant interpretation guidelines (Richards et al. 2015 PMID: 25741868, with internal and published modifications).

NM_001401501.2(MUC16):c.42729C>T (p.Pro14243=)

Gene: MUC16 (mucin 16, cell surface associated; minus strand). Cytogenetic location: 19p13.2.
Variant type: single nucleotide variant.
Coding change: c.42729C>T on transcript NM_001401501.2 (MANE Select); coding-DNA position 42729, C replaced by T.
Protein change: p.Pro14243=; no amino-acid change (proline 14243 retained).
Molecular consequence: synonymous variant.
Genome position (GRCh38, 1-based): chr19:8,891,937, G>A on the plus strand (C>T on the coding strand, the complement: MUC16 is on the minus strand). VCF-style: chr19-8891937-G-A. GRCh37 (hg19) VCF-style: chr19-9002613-G-A.
Other names: c.43155C>T, p.Pro14385= (NM_001414686.1); c.42609C>T, p.Pro14203= (NM_001414687.1); c.40203C>T, p.Pro13401= (NM_024690.2).
Identifiers: ClinVar variation 3059220 (VCV003059220.2), dbSNP rs201378021, ClinGen allele CA9163508.